The following is an entry in ClinVar:

ClinVar aggregate classification (germline): Uncertain significance (1 of 4 stars; one submission).

Conditions:
Dyskeratosis congenita. Identifiers: Orphanet 1775, MedGen C0265965, MONDO:0015780.

Allele frequency attached by ClinVar (database versions not stated): gnomAD exomes below 0.00001; gnomAD 0.00001; TOPMed 0.00001; ExAC 0.00006.
gnomAD v4.1: 3 of 1,551,452 alleles (0.00019%); highest among the groups gnomAD compares: Admixed American, 0.002%; no homozygotes.

Submission:

Labcorp Genetics (formerly Invitae), Labcorp
Classification: Uncertain significance for Dyskeratosis congenita. Last evaluated: 2022-03-21. Review status: criteria provided, single submitter. Criteria: Invitae Variant Classification Sherloc (09022015). Collection method: clinical testing. Allele origin: germline.
Comment: In summary, the available evidence is currently insufficient to determine the role of this variant in disease. Therefore, it has been classified as a Variant of Uncertain Significance. Variants that disrupt the consensus splice site are a relatively common cause of aberrant splicing (PMID: 17576681, 9536098). Algorithms developed to predict the effect of sequence changes on RNA splicing suggest that this variant may create or strengthen a splice site. This variant has not been reported in the literature in individuals affected with CTC1-related conditions. This variant is present in population databases (rs770232751, gnomAD 0.01%). This sequence change falls in intron 10 of the CTC1 gene. It does not directly change the encoded amino acid sequence of the CTC1 protein. It affects a nucleotide within the consensus splice site.

Literature cited by the submitters: PubMed 17576681; PubMed 9536098.

NM_025099.6(CTC1):c.1818+4A>G

Gene: CTC1 (CST telomere replication complex component 1; minus strand). Cytogenetic location: 17p13.1.
Variant type: single nucleotide variant.
Coding change: c.1818+4A>G on transcript NM_025099.6 (MANE Select); 4 bases into the intron after coding-DNA position 1818, A replaced by G.
Molecular consequence: intron variant.
Genome position (GRCh38, 1-based): chr17:8,234,451, T>C on the plus strand (A>G on the coding strand, the complement: CTC1 is on the minus strand). VCF-style: chr17-8234451-T-C. GRCh37 (hg19) VCF-style: chr17-8137769-T-C.
Identifiers: ClinVar variation 2078860 (VCV002078860.4), dbSNP rs770232751, ClinGen allele CA8372257.
Genomic context (GRCh38, chr17:8,234,451, plus strand): 5'-AGAGTCGTGGCAATAAGGATGACAAAAAGGGAAATCACCTGAGCCCTGCTAGGGTCCCCC[T>C]TACCTGGGCTGGGCAGAAGGCAGAGGGCAGCAGACAGAGCCAGGACCAAGCCAGGCGGCG-3'